The following is an entry in ClinVar:

ClinVar aggregate classification (germline): Pathogenic. Review status: criteria provided, multiple submitters, no conflicts (2 of 4 stars). 3 submissions from 3 submitters: Pathogenic (2). 1 of the submissions does not count toward it. Last evaluated 2021-12-27.

Conditions:
RPGR-related disorder. Also called: RPGR-related condition.
Primary ciliary dyskinesia. Also called: Ciliary dyskinesia. Identifiers: Orphanet 244, MedGen C0008780, MONDO:0016575, HP:0012265.

Submissions (3):

Labcorp Genetics (formerly Invitae), Labcorp
Classification: Pathogenic for Primary ciliary dyskinesia. Last evaluated: 2021-12-27. Review status: criteria provided, single submitter. Criteria: Invitae Variant Classification Sherloc (09022015). Collection method: clinical testing. Allele origin: germline.
Comment: For these reasons, this variant has been classified as Pathogenic. Algorithms developed to predict the effect of sequence changes on RNA splicing suggest that this variant may disrupt the consensus splice site. ClinVar contains an entry for this variant (Variation ID: 98747). This premature translational stop signal has been observed in individual(s) with X-linked retinitis pigmentosa (PMID: 8673101, 9331262). This variant is not present in population databases (gnomAD no frequency). This sequence change creates a premature translational stop signal (p.Gly52*) in the RPGR gene. It is expected to result in an absent or disrupted protein product. Loss-of-function variants in RPGR are known to be pathogenic (PMID: 16055928, 16969763).

Blueprint Genetics
Classification: Pathogenic for RPGR-related disorders. Last evaluated: 2019-10-15. Review status: criteria provided, single submitter. Criteria: ACMG Guidelines, 2015. Collection method: clinical testing. Allele origin: germline. Affected: yes. Observed: 1 variant allele.

Retina International
No classification provided. Review status: no classification provided. Collection method: not provided. Allele origin: not provided. Not counted in ClinVar's aggregate classification.

Literature cited by the submitters: PubMed 8673101 (cited by Labcorp Genetics (formerly Invitae), Labcorp); PubMed 9331262 (cited by Labcorp Genetics (formerly Invitae), Labcorp); PubMed 16055928 (cited by Labcorp Genetics (formerly Invitae), Labcorp); PubMed 16969763 (cited by Labcorp Genetics (formerly Invitae), Labcorp).

NM_001034853.2(RPGR):c.154G>T (p.Gly52Ter)

Gene: RPGR (retinitis pigmentosa GTPase regulator; minus strand). Cytogenetic location: Xp11.4.
Variant type: single nucleotide variant.
Coding change: c.154G>T on transcript NM_001034853.2 (MANE Select); coding-DNA position 154, G replaced by T.
Protein change: p.Gly52Ter; replaces glycine 52 with a stop codon.
Molecular consequence: nonsense. On other transcripts: non-coding transcript variant (6).
Genome position (GRCh38, 1-based): chrX:38,323,399, C>A on the plus strand (G>T on the coding strand, the complement: RPGR is on the minus strand). VCF-style: chrX-38323399-C-A. GRCh37 (hg19) VCF-style: chrX-38182652-C-A.
Other names: c.154G>T, p.Gly52Ter (NM_000328.3, NM_001367245.1, NM_001367246.1 and 4 more transcripts); c.184G>T, p.Gly62Ter (NM_001367248.1); short protein forms G52*, G62*.
Identifiers: ClinVar variation 98747 (VCV000098747.7), dbSNP rs281865296, ClinGen allele CA226368.